The following is an entry in ClinVar:

ClinVar aggregate classification (germline): Uncertain significance (1 of 4 stars; one submission).

Submission:

Labcorp Genetics (formerly Invitae), Labcorp
Classification: Uncertain significance. Last evaluated: 2022-05-16. Review status: criteria provided, single submitter. Criteria: Invitae Variant Classification Sherloc (09022015). Collection method: clinical testing. Allele origin: germline.
Comment: This sequence change replaces aspartic acid, which is acidic and polar, with histidine, which is basic and polar, at codon 121 of the LARP7 protein (p.Asp121His). This variant is not present in population databases (gnomAD no frequency). This variant has not been reported in the literature in individuals affected with LARP7-related conditions. Algorithms developed to predict the effect of missense changes on protein structure and function are either unavailable or do not agree on the potential impact of this missense change (SIFT: "Deleterious"; PolyPhen-2: "Probably Damaging"; Align-GVGD: "Class C0"). In summary, the available evidence is currently insufficient to determine the role of this variant in disease. Therefore, it has been classified as a Variant of Uncertain Significance.

NM_016648.4(LARP7):c.361G>C (p.Asp121His)

Gene: LARP7 (La ribonucleoprotein 7, transcriptional regulator; plus strand). Cytogenetic location: 4q25.
Variant type: single nucleotide variant.
Coding change: c.361G>C on transcript NM_016648.4 (MANE Select); coding-DNA position 361, G replaced by C.
Protein change: p.Asp121His; replaces aspartic acid 121 with histidine.
Molecular consequence: missense variant.
Genome position (GRCh38, 1-based): chr4:112,646,645, G>C. VCF-style: chr4-112646645-G-C. GRCh37 (hg19) VCF-style: chr4-113567801-G-C.
Other names: c.361G>C, p.Asp121His (NM_001267039.4, NM_001370974.1, NM_001370975.1 and 6 more transcripts); c.124G>C, p.Asp42His (NM_001370981.1, NM_001370982.1); short protein forms D121H, D42H.
Identifiers: ClinVar variation 1995316 (VCV001995316.4), dbSNP rs2477760664, ClinGen allele CA357922082.